The following is an entry in ClinVar:

NM_032043.3(BRIP1):c.56A>G (p.Tyr19Cys)

Gene: BRIP1 (BRCA1 interacting DNA helicase 1; minus strand). Cytogenetic location: 17q23.2.
Variant type: single nucleotide variant.
Coding change: c.56A>G on transcript NM_032043.3 (MANE Select); coding-DNA position 56, A replaced by G.
Protein change: p.Tyr19Cys; replaces tyrosine 19 with cysteine.
Molecular consequence: missense variant.
Genome position (GRCh38, 1-based): chr17:61,861,484, T>C on the plus strand (A>G on the coding strand, the complement: BRIP1 is on the minus strand). VCF-style: chr17-61861484-T-C. GRCh37 (hg19) VCF-style: chr17-59938845-T-C.
Other names: short protein forms Y19C.
Identifiers: ClinVar variation 234145 (VCV000234145.23), dbSNP rs876660880, ClinGen allele CA10580898.
Genomic context (GRCh38, chr17:61,861,484, plus strand): 5'-CTTAACTGCTGAAAAATACTTACAGAATTCATCATAGCAAGCTGTGACGGGTAAGCTTTA[T>C]AAGGAAAGTAAATCTTCACCCCACCAATTGTATATTCAGACCACATTGAAGACATAGTGC-3'
Protein context (NP_114432.2, residues 9-29): TIGGVKIYFP[Tyr19Cys]KAYPSQLAMM

ClinVar aggregate classification (germline): Conflicting classifications of pathogenicity. Review status: criteria provided, conflicting classifications (1 of 4 stars). 5 submissions from 5 submitters: Uncertain significance (4); Likely benign (1). Last evaluated 2026-01-30.

Conditions:
Fanconi anemia complementation group J. Also called: BRIP1-Related Fanconi Anemia. Identifiers: Orphanet 84, MedGen C1836860, MONDO:0012187, OMIM 609054.
Familial cancer of breast. Also called: hereditary breast carcinoma; BREAST CANCER, FAMILIAL; Hereditary breast cancer. Identifiers: Orphanet 227535, MedGen C0346153, MONDO:0016419, OMIM 114480. Disease mechanism: loss of function.
Hereditary cancer-predisposing syndrome. Also called: Tumor predisposition; Hereditary Cancer Syndrome; Hereditary neoplastic syndrome; Neoplastic Syndromes, Hereditary. Identifiers: Orphanet 140162, MedGen C0027672, MeSH D009386, MONDO:0015356.

Allele frequency attached by ClinVar (database versions not stated): TOPMed below 0.00001; gnomAD exomes 0.00001.
gnomAD v4.1: 5 of 1,613,466 alleles (0.00031%); highest among the groups gnomAD compares: South Asian, 0.0022%; no homozygotes.

Submissions (5):

Labcorp Genetics (formerly Invitae), Labcorp
Classification: Uncertain significance for Familial cancer of breast; Fanconi anemia complementation group J. Last evaluated: 2026-01-30. Review status: criteria provided, single submitter. Criteria: Invitae Variant Classification Sherloc (09022015). Collection method: clinical testing. Allele origin: germline.
Comment: This sequence change replaces tyrosine, which is neutral and polar, with cysteine, which is neutral and slightly polar, at codon 19 of the BRIP1 protein (p.Tyr19Cys). This variant is present in population databases (no rsID available, gnomAD 0.003%). This variant has not been reported in the literature in individuals affected with BRIP1-related conditions. ClinVar contains an entry for this variant (Variation ID: 234145). Invitae Evidence Modeling of protein sequence and biophysical properties (such as structural, functional, and spatial information, amino acid conservation, physicochemical variation, residue mobility, and thermodynamic stability) indicates that this missense variant is not expected to disrupt BRIP1 protein function with a negative predictive value of 95%. In summary, the available evidence is currently insufficient to determine the role of this variant in disease. Therefore, it has been classified as a Variant of Uncertain Significance.

Women's Health and Genetics/Laboratory Corporation of America, LabCorp
Classification: Uncertain significance. Last evaluated: 2025-11-25. Review status: criteria provided, single submitter. Criteria: LabCorp Variant Classification Summary - May 2015. Collection method: clinical testing. Allele origin: germline.

Color Diagnostics, LLC DBA Color Health
Classification: Uncertain significance for Hereditary cancer-predisposing syndrome. Last evaluated: 2024-03-06. Review status: criteria provided, single submitter. Criteria: ACMG Guidelines, 2015. Collection method: clinical testing. Allele origin: germline.
Comment: This missense variant replaces tyrosine with cysteine at codon 19 of the BRIP1 protein. Computational prediction suggests that this variant may not impact protein structure and function (internally defined REVEL score threshold <= 0.5, PMID: 27666373). To our knowledge, functional studies have not been reported for this variant. This variant has been reported in an individual affected with breast and/or ovarian cancer (DOI:10.5455/annalsmedres.2020.04.415). This variant has been identified in 2/251304 chromosomes in the general population by the Genome Aggregation Database (gnomAD). The available evidence is insufficient to determine the role of this variant in disease conclusively. Therefore, this variant is classified as a Variant of Uncertain Significance.

GeneDx
Classification: Uncertain significance. Last evaluated: 2023-10-10. Review status: criteria provided, single submitter. Criteria: GeneDx Variant Classification Process June 2021. Collection method: clinical testing. Allele origin: germline. Affected: yes.
Comment: Not observed at significant frequency in large population cohorts (gnomAD); In silico analysis supports that this missense variant does not alter protein structure/function; Identified in a patient with breast cancer in published literature (Ceylan et al., 2021); This variant is associated with the following publications: (PMID: Ceylan2021[CaseReport])

Ambry Genetics
Classification: Likely benign for Hereditary cancer-predisposing syndrome. Last evaluated: 2016-10-11. Review status: criteria provided, single submitter. Criteria: Ambry Variant Classification Scheme 2023. Collection method: clinical testing. Allele origin: germline.